The following is an entry in ClinVar:

ClinVar aggregate classification (germline): Uncertain significance (1 of 4 stars; one submission).

Conditions:
Multiple endocrine neoplasia, type 2 (MEN2). Identifiers: Orphanet 653, MedGen C4048306, MONDO:0019003. Disease mechanism: gain of function.

Submission:

Labcorp Genetics (formerly Invitae), Labcorp
Classification: Uncertain significance for Multiple endocrine neoplasia, type 2. Last evaluated: 2025-01-12. Review status: criteria provided, single submitter. Criteria: Invitae Variant Classification Sherloc (09022015). Collection method: clinical testing. Allele origin: germline.
Comment: This sequence change replaces glycine, which is neutral and non-polar, with glutamic acid, which is acidic and polar, at codon 321 of the RET protein (p.Gly321Glu). This variant is not present in population databases (gnomAD no frequency). This variant has not been reported in the literature in individuals affected with RET-related conditions. ClinVar contains an entry for this variant (Variation ID: 2043838). An algorithm developed to predict the effect of missense changes on protein structure and function outputs the following: PolyPhen-2: "Benign". The glutamic acid amino acid residue is found in multiple mammalian species, which suggests that this missense change does not adversely affect protein function. In summary, the available evidence is currently insufficient to determine the role of this variant in disease. Therefore, it has been classified as a Variant of Uncertain Significance.

NM_020975.6(RET):c.962G>A (p.Gly321Glu)

Gene: RET (ret proto-oncogene; plus strand). Cytogenetic location: 10q11.21.
Variant type: single nucleotide variant.
Coding change: c.962G>A on transcript NM_020975.6 (MANE Select); coding-DNA position 962, G replaced by A.
Protein change: p.Gly321Glu; replaces glycine 321 with glutamic acid.
Molecular consequence: missense variant.
Genome position (GRCh38, 1-based): chr10:43,106,470, G>A. VCF-style: chr10-43106470-G-A. GRCh37 (hg19) VCF-style: chr10-43601918-G-A.
Other names: c.962G>A, p.Gly321Glu (NM_000323.2, NM_001406743.1, NM_001406744.1 and 6 more transcripts); c.200G>A, p.Gly67Glu (NM_001355216.2); c.833G>A, p.Gly278Glu (NM_001406761.1, NM_001406762.1, NM_001406764.1 and 1 more transcripts); c.674G>A, p.Gly225Glu (NM_001406766.1, NM_001406767.1, NM_001406770.1); short protein forms G321E, G225E, G278E, G67E.
Identifiers: ClinVar variation 2043838 (VCV002043838.4), dbSNP rs2132720453, ClinGen allele CA376546116.